The following is an entry in ClinVar:

ClinVar aggregate classification (germline): Uncertain significance (1 of 4 stars; one submission).

Submission:

Labcorp Genetics (formerly Invitae), Labcorp
Classification: Uncertain significance. Last evaluated: 2023-10-29. Review status: criteria provided, single submitter. Criteria: Invitae Variant Classification Sherloc (09022015). Collection method: clinical testing. Allele origin: germline.
Comment: This sequence change replaces valine, which is neutral and non-polar, with isoleucine, which is neutral and non-polar, at codon 1111 of the CLTC protein (p.Val1111Ile). This variant is not present in population databases (gnomAD no frequency). This variant has not been reported in the literature in individuals affected with CLTC-related conditions. Advanced modeling of protein sequence and biophysical properties (such as structural, functional, and spatial information, amino acid conservation, physicochemical variation, residue mobility, and thermodynamic stability) performed at Invitae indicates that this missense variant is not expected to disrupt CLTC protein function with a negative predictive value of 80%. In summary, the available evidence is currently insufficient to determine the role of this variant in disease. Therefore, it has been classified as a Variant of Uncertain Significance.

NM_004859.4(CLTC):c.3319G>A (p.Val1107Ile)

Gene: CLTC (clathrin heavy chain; plus strand). Cytogenetic location: 17q23.1.
Variant type: single nucleotide variant.
Coding change: c.3319G>A on transcript NM_004859.4 (MANE Select); coding-DNA position 3319, G replaced by A.
Protein change: p.Val1107Ile; replaces valine 1107 with isoleucine.
Molecular consequence: missense variant.
Genome position (GRCh38, 1-based): chr17:59,681,716, G>A. VCF-style: chr17-59681716-G-A. GRCh37 (hg19) VCF-style: chr17-57759077-G-A.
Other names: c.3331G>A, p.Val1111Ile (NM_001288653.2); short protein forms V1107I, V1111I.
Identifiers: ClinVar variation 2791256 (VCV002791256.3), dbSNP rs2509151589, ClinGen allele CA400417518.